The following is an entry in ClinVar:

ClinVar aggregate classification (germline): Uncertain significance (1 of 4 stars; one submission).

Submission:

GeneDx
Classification: Uncertain significance. Last evaluated: 2024-08-02. Review status: criteria provided, single submitter. Criteria: GeneDx Variant Classification Process June 2021. Collection method: clinical testing. Allele origin: germline. Affected: yes.
Comment: Not observed at significant frequency in large population cohorts (gnomAD); In silico analysis supports that this missense variant has a deleterious effect on protein structure/function; Has not been previously published as pathogenic or benign to our knowledge

NM_170606.3(KMT2C):c.1127C>T (p.Thr376Ile)

Genes: KMT2C (lysine methyltransferase 2C; minus strand), LOC123956272 (Sharpr-MPRA regulatory region 15588; plus strand). Cytogenetic location: 7q36.1.
Variant type: single nucleotide variant.
Coding change: c.1127C>T on transcript NM_170606.3 (MANE Select); coding-DNA position 1127, C replaced by T.
Protein change: p.Thr376Ile; replaces threonine 376 with isoleucine.
Molecular consequence: missense variant.
Genome position (GRCh38, 1-based): chr7:152,265,095, G>A on the plus strand (C>T on the coding strand, the complement: KMT2C is on the minus strand). VCF-style: chr7-152265095-G-A. GRCh37 (hg19) VCF-style: chr7-151962180-G-A.
Other names: short protein forms T376I.
Identifiers: ClinVar variation 3602330 (VCV003602330.1).